The following is an entry in ClinVar:

ClinVar aggregate classification (germline): Uncertain significance (1 of 4 stars; one submission).

Allele frequency attached by ClinVar (database versions not stated): gnomAD exomes below 0.00001; TOPMed 0.00001.
gnomAD v4.1: 1 of 1,613,770 alleles (0.000062%); highest among the groups gnomAD compares: African/African-American, 0.0013%; no homozygotes.

Submission:

GeneDx
Classification: Uncertain significance. Last evaluated: 2024-09-25. Review status: criteria provided, single submitter. Criteria: GeneDx Variant Classification Process June 2021. Collection method: clinical testing. Allele origin: germline. Affected: yes.
Comment: Not observed at significant frequency in large population cohorts (gnomAD); In silico analysis supports that this missense variant has a deleterious effect on protein structure/function; Has not been previously published as pathogenic or benign to our knowledge

NM_015057.5(MYCBP2):c.5201G>A (p.Gly1734Asp)

Gene: MYCBP2 (MYC binding protein 2; minus strand). Cytogenetic location: 13q22.3.
Variant type: single nucleotide variant.
Coding change: c.5201G>A on transcript NM_015057.5 (MANE Select); coding-DNA position 5201, G replaced by A.
Protein change: p.Gly1734Asp; replaces glycine 1734 with aspartic acid.
Molecular consequence: missense variant.
Genome position (GRCh38, 1-based): chr13:77,177,887, C>T on the plus strand (G>A on the coding strand, the complement: MYCBP2 is on the minus strand). VCF-style: chr13-77177887-C-T. GRCh37 (hg19) VCF-style: chr13-77752022-C-T.
Other names: short protein forms G1734D.
Identifiers: ClinVar variation 1711949 (VCV001711949.3), dbSNP rs1421095714, ClinGen allele CA388423515.